The following is an entry in ClinVar:

NM_001372.4(DNAH9):c.496G>A (p.Ala166Thr)

Gene: DNAH9 (dynein axonemal heavy chain 9; plus strand). Cytogenetic location: 17p12.
Variant type: single nucleotide variant.
Coding change: c.496G>A on transcript NM_001372.4 (MANE Select); coding-DNA position 496, G replaced by A.
Protein change: p.Ala166Thr; replaces alanine 166 with threonine.
Molecular consequence: missense variant.
Genome position (GRCh38, 1-based): chr17:11,608,207, G>A. VCF-style: chr17-11608207-G-A. GRCh37 (hg19) VCF-style: chr17-11511524-G-A.
Other names: short protein forms A166T.
Identifiers: ClinVar variation 2156722 (VCV002156722.2), dbSNP rs757251988, ClinGen allele CA8394555.

ClinVar aggregate classification (germline): Uncertain significance (1 of 4 stars; one submission).

Allele frequency attached by ClinVar (database versions not stated): ExAC 0.00001; gnomAD exomes 0.00002; gnomAD 0.00011; TOPMed 0.00012.
gnomAD v4.1: 55 of 1,613,782 alleles (0.0034%); highest among the groups gnomAD compares: Admixed American, 0.033%; no homozygotes.

Submission:

Labcorp Genetics (formerly Invitae), Labcorp
Classification: Uncertain significance. Last evaluated: 2023-12-02. Review status: criteria provided, single submitter. Criteria: Invitae Variant Classification Sherloc (09022015). Collection method: clinical testing. Allele origin: germline.
Comment: This sequence change replaces alanine, which is neutral and non-polar, with threonine, which is neutral and polar, at codon 166 of the DNAH9 protein (p.Ala166Thr). This variant is present in population databases (rs757251988, gnomAD 0.02%). This variant has not been reported in the literature in individuals affected with DNAH9-related conditions. ClinVar contains an entry for this variant (Variation ID: 2156722). Algorithms developed to predict the effect of missense changes on protein structure and function output the following: SIFT: "Not Available"; PolyPhen-2: "Benign"; Align-GVGD: "Not Available". The threonine amino acid residue is found in multiple mammalian species, which suggests that this missense change does not adversely affect protein function. In summary, the available evidence is currently insufficient to determine the role of this variant in disease. Therefore, it has been classified as a Variant of Uncertain Significance.